The following is an entry in ClinVar:

NM_022124.6(CDH23):c.5167C>T (p.Arg1723Cys)

Gene: CDH23 (cadherin related 23; plus strand). Cytogenetic location: 10q22.1.
Variant type: single nucleotide variant.
Coding change: c.5167C>T on transcript NM_022124.6 (MANE Select); coding-DNA position 5167, C replaced by T.
Protein change: p.Arg1723Cys; replaces arginine 1723 with cysteine.
Molecular consequence: missense variant.
Genome position (GRCh38, 1-based): chr10:71,778,288, C>T. VCF-style: chr10-71778288-C-T. GRCh37 (hg19) VCF-style: chr10-73538045-C-T.
Other names: short protein forms R1723C.
Identifiers: ClinVar variation 3771545 (VCV003771545.13).

ClinVar aggregate classification (germline): Uncertain significance (1 of 4 stars; one submission).

gnomAD v4.1: 10 of 1,613,828 alleles (0.00062%); highest among the groups gnomAD compares: African/African-American, 0.0067%; no homozygotes.

Submission:

CeGaT Center for Human Genetics Tuebingen
Classification: Uncertain significance. Last evaluated: 2025-02-01. Review status: criteria provided, single submitter. Criteria: CeGaT Center For Human Genetics Tuebingen Variant Classification Criteria Version 2. Collection method: clinical testing. Allele origin: germline. Affected: yes. Observed: 1 variant allele.
Comment: CDH23: PM2, PM3:Supporting